The following is an entry in ClinVar:

NM_006514.4(SCN10A):c.908G>A (p.Gly303Asp)

Gene: SCN10A (sodium voltage-gated channel alpha subunit 10; minus strand). Cytogenetic location: 3p22.2.
Variant type: single nucleotide variant.
Coding change: c.908G>A on transcript NM_006514.4 (MANE Select); coding-DNA position 908, G replaced by A.
Protein change: p.Gly303Asp; replaces glycine 303 with aspartic acid.
Molecular consequence: missense variant.
Genome position (GRCh38, 1-based): chr3:38,760,723, C>T on the plus strand (G>A on the coding strand, the complement: SCN10A is on the minus strand). VCF-style: chr3-38760723-C-T. GRCh37 (hg19) VCF-style: chr3-38802214-C-T.
Other names: c.908G>A, p.Gly303Asp (NM_001293306.2, NM_001293307.2); short protein forms G303D.
Identifiers: ClinVar variation 3700735 (VCV003700735.2).

ClinVar aggregate classification (germline): Uncertain significance (1 of 4 stars; one submission).

Conditions:
Brugada syndrome. Also called: Sudden unexpected nocturnal death syndrome; Sudden Unexplained Death Syndrome; Sudden Unexplained Nocturnal Death Syndrome (SUNDS); Sudden unexplained nocturnal death syndrome. Identifiers: Orphanet 130, MedGen C1142166, MONDO:0015263.

gnomAD v4.1: 16 of 1,613,864 alleles (0.00099%); highest among the groups gnomAD compares: Non-Finnish European, 0.0013%; no homozygotes.

Submission:

Labcorp Genetics (formerly Invitae), Labcorp
Classification: Uncertain significance for Brugada syndrome. Last evaluated: 2024-09-13. Review status: criteria provided, single submitter. Criteria: Invitae Variant Classification Sherloc (09022015). Collection method: clinical testing. Allele origin: germline.
Comment: This sequence change replaces glycine, which is neutral and non-polar, with aspartic acid, which is acidic and polar, at codon 303 of the SCN10A protein (p.Gly303Asp). This variant is present in population databases (rs762083371, gnomAD 0.006%). This variant has not been reported in the literature in individuals affected with SCN10A-related conditions. Invitae Evidence Modeling of protein sequence and biophysical properties (such as structural, functional, and spatial information, amino acid conservation, physicochemical variation, residue mobility, and thermodynamic stability) indicates that this missense variant is not expected to disrupt SCN10A protein function with a negative predictive value of 80%. In summary, the available evidence is currently insufficient to determine the role of this variant in disease. Therefore, it has been classified as a Variant of Uncertain Significance.